The following is an entry in ClinVar:

NM_001170629.2(CHD8):c.5217G>C (p.Trp1739Cys)

Gene: CHD8 (chromodomain helicase DNA binding protein 8; minus strand). Cytogenetic location: 14q11.2.
Variant type: single nucleotide variant.
Coding change: c.5217G>C on transcript NM_001170629.2 (MANE Select); coding-DNA position 5217, G replaced by C.
Protein change: p.Trp1739Cys; replaces tryptophan 1739 with cysteine.
Molecular consequence: missense variant.
Genome position (GRCh38, 1-based): chr14:21,395,085, C>G on the plus strand (G>C on the coding strand, the complement: CHD8 is on the minus strand). VCF-style: chr14-21395085-C-G. GRCh37 (hg19) VCF-style: chr14-21863244-C-G.
Other names: c.4380G>C, p.Trp1460Cys (NM_020920.4); short protein forms W1460C, W1739C.
Identifiers: ClinVar variation 3901899 (VCV003901899.1).

ClinVar aggregate classification (germline): Uncertain significance (1 of 4 stars; one submission).

Conditions:
Intellectual developmental disorder with autism and macrocephaly. Also called: CHD8-Related Neurodevelopmental Disorder with Overgrowth; Autism, susceptibility to, 18. Identifiers: Orphanet 642675, MedGen C3554373, MONDO:0014017, OMIM 615032.

Submission:

Laboratorio de Genetica e Diagnostico Molecular, Hospital Israelita Albert Einstein
Classification: Uncertain significance for Intellectual developmental disorder with autism and macrocephaly. Last evaluated: 2024-07-14. Review status: criteria provided, single submitter. Criteria: ACMG Guidelines, 2015. Collection method: clinical testing. Allele origin: germline. Affected: yes.
Comment: ACMG classification criteria: PM2 supporting, PP2 supporting, PP3 supporting